The following is an entry in ClinVar:

ClinVar aggregate classification (germline): Uncertain significance (1 of 4 stars; one submission).

Conditions:
Short-rib thoracic dysplasia 14 with polydactyly (SRTD14). Identifiers: Orphanet 397715, MedGen C4225286, MONDO:0014688, OMIM 616546.
Joubert syndrome 23 (JBTS23). Identifiers: Orphanet 475, MedGen C4084822, MONDO:0014664, OMIM 616490.

Allele frequency attached by ClinVar (database versions not stated): gnomAD exomes below 0.00001; ExAC 0.00001; gnomAD 0.00001.
gnomAD v4.1: 7 of 1,613,308 alleles (0.00043%); highest among the groups gnomAD compares: East Asian, 0.011%; no homozygotes.

Submission:

Labcorp Genetics (formerly Invitae), Labcorp
Classification: Uncertain significance for Joubert syndrome 23; Short-rib thoracic dysplasia 14 with polydactyly. Last evaluated: 2021-07-06. Review status: criteria provided, single submitter. Criteria: Invitae Variant Classification Sherloc (09022015). Collection method: clinical testing. Allele origin: germline.
Comment: This sequence change replaces aspartic acid with glycine at codon 1188 of the KIAA0586 protein (p.Asp1188Gly). The aspartic acid residue is weakly conserved and there is a moderate physicochemical difference between aspartic acid and glycine. This variant is present in population databases (rs751729993, ExAC 0.01%). This variant has not been reported in the literature in individuals affected with KIAA0586-related conditions. Algorithms developed to predict the effect of missense changes on protein structure and function are either unavailable or do not agree on the potential impact of this missense change (SIFT: "Deleterious"; PolyPhen-2: "Benign"; Align-GVGD: "Class C0"). Algorithms developed to predict the effect of sequence changes on RNA splicing suggest that this variant may create or strengthen a splice site. In summary, the available evidence is currently insufficient to determine the role of this variant in disease. Therefore, it has been classified as a Variant of Uncertain Significance.

NM_001329943.3(KIAA0586):c.3404A>G (p.Asp1135Gly)

Gene: KIAA0586 (KIAA0586; plus strand). Cytogenetic location: 14q23.1.
Variant type: single nucleotide variant.
Coding change: c.3404A>G on transcript NM_001329943.3 (MANE Select); coding-DNA position 3404, A replaced by G.
Protein change: p.Asp1135Gly; replaces aspartic acid 1135 with glycine.
Molecular consequence: missense variant.
Genome position (GRCh38, 1-based): chr14:58,487,986, A>G. VCF-style: chr14-58487986-A-G. GRCh37 (hg19) VCF-style: chr14-58954704-A-G.
Other names: c.3563A>G, p.Asp1188Gly (NM_001244189.2); c.3359A>G, p.Asp1120Gly (NM_001244190.2); c.3149A>G, p.Asp1050Gly (NM_001244191.2, NM_001329945.2, NM_001364700.1 and 1 more transcripts); c.3272A>G, p.Asp1091Gly (NM_001244192.2); c.2984A>G, p.Asp995Gly (NM_001244193.2); c.3404A>G, p.Asp1135Gly (NM_001329944.2, NM_001329946.2, NM_001329947.2); c.3176A>G, p.Asp1059Gly (NM_014749.5); short protein forms D1059G, D1120G, D1050G, D1135G, D1188G, D1091G, D995G.
Identifiers: ClinVar variation 1345393 (VCV001345393.8), dbSNP rs751729993, ClinGen allele CA7206150.
Genomic context (GRCh38, chr14:58,487,986, plus strand): 5'-CAGTTACCCCTACTACTACACCTCCTCCAGCGGCGGCAGTTTTTACCCCAACTTTGTCAG[A>G]TATTTCCATTGATAAATTGAAGGTATCAAGCCCAGAGCTTCCCAAGCCATGGGGTGATGG-3'
Protein context (NP_001316872.1, residues 1125-1145): AAAVFTPTLS[Asp1135Gly]ISIDKLKVSS